The following is an entry in ClinVar:

NM_172351.3(CD46):c.643G>A (p.Val215Met)

Gene: CD46 (CD46 molecule; plus strand). Cytogenetic location: 1q32.2.
Variant type: single nucleotide variant.
Coding change: c.643G>A on transcript NM_172351.3 (MANE Select); coding-DNA position 643, G replaced by A.
Protein change: p.Val215Met; replaces valine 215 with methionine.
Molecular consequence: missense variant.
Genome position (GRCh38, 1-based): chr1:207,761,416, G>A. VCF-style: chr1-207761416-G-A. GRCh37 (hg19) VCF-style: chr1-207934761-G-A.
Other names: c.643G>A, p.Val215Met (NM_002389.4, NM_153826.4, NM_172350.3 and 8 more transcripts); short protein forms V215M.
Identifiers: ClinVar variation 1049467 (VCV001049467.7), dbSNP rs535353049, ClinGen allele CA1371691.

ClinVar aggregate classification (germline): Uncertain significance. Review status: criteria provided, multiple submitters, no conflicts (2 of 4 stars). 5 submissions from 5 submitters: Uncertain significance (4). 1 of the submissions does not count toward it. Last evaluated 2025-10-02.

Conditions:
Atypical hemolytic-uremic syndrome with MCP/CD46 anomaly. Also called: HEMOLYTIC UREMIC SYNDROME, ATYPICAL, SUSCEPTIBILITY TO, 2; AHUS, SUSCEPTIBILITY TO, 2. Identifiers: Orphanet 2134, MedGen C2752040, MONDO:0013040, OMIM 612922.
Atypical hemolytic-uremic syndrome. Identifiers: Orphanet 2134, MedGen C2931788, MONDO:0016244.

Allele frequency attached by ClinVar (database versions not stated): gnomAD exomes 0.00003; ExAC 0.00005; 1000 Genomes Project 30x 0.00016; 1000 Genomes Project 0.00020.

Submissions (5):

Genomenon, Inc
Classification: Uncertain significance for Atypical hemolytic-uremic syndrome. Last evaluated: 2025-10-02. Review status: criteria provided, single submitter. Criteria: Genomenon Sequence Variant Interpretation Standards. Collection method: curation. Allele origin: germline. Affected: no.
Comment: CD46 p.Val215Met (c.643G>A) is a missense variant that changes the amino acid at residue 215 from Valine to Methionine. This variant has been reported in the published literature (PMID:17018561;22456601;31014550;17914026;21188423;26054645;29327071;34004375). It is absent or not present at a significant frequency in gnomAD. In conclusion, we classify CD46 p.Val215Met (c.643G>A) as a variant of uncertain significance.

Labcorp Genetics (formerly Invitae), Labcorp
Classification: Uncertain significance. Last evaluated: 2025-04-22. Review status: criteria provided, single submitter. Criteria: Invitae Variant Classification Sherloc (09022015). Collection method: clinical testing. Allele origin: germline.
Comment: This sequence change replaces valine, which is neutral and non-polar, with methionine, which is neutral and non-polar, at codon 215 of the CD46 protein (p.Val215Met). This variant is present in population databases (rs535353049, gnomAD 0.02%). This missense change has been observed in individual(s) with primary glomerulonephritis (PMID: 17018561). ClinVar contains an entry for this variant (Variation ID: 1049467). Invitae Evidence Modeling of protein sequence and biophysical properties (such as structural, functional, and spatial information, amino acid conservation, physicochemical variation, residue mobility, and thermodynamic stability) indicates that this missense variant is not expected to disrupt CD46 protein function with a negative predictive value of 80%. In summary, the available evidence is currently insufficient to determine the role of this variant in disease. Therefore, it has been classified as a Variant of Uncertain Significance.

Blueprint Genetics
Classification: Uncertain significance. Last evaluated: 2024-05-29. Review status: criteria provided, single submitter. Criteria: ACMG Guidelines, 2015. Collection method: clinical testing. Allele origin: germline.

Neuberg Centre For Genomic Medicine, NCGM
Classification: Uncertain significance for Atypical hemolytic-uremic syndrome with MCP/CD46 anomaly. Review status: criteria provided, single submitter. Criteria: ACMG Guidelines, 2015. Collection method: clinical testing. Allele origin: germline. Inheritance: Autosomal dominant inheritance. Affected: yes.
Comment: The missense variant in c.643G>A (p.Val215Met) in CD46 gene has not been reported previously as a pathogenic variant nor as a benign variant, to our knowledge. This Variant has an allele frequency of 0.003181% in gnomAD database. In silico tools predict the variant to be tolerated. The amino acid Val at position 215 is changed to a Met changing protein sequence and it might alter its composition and physico-chemical properties. For these reasons, this variant has been classified as Uncertain Significance (VUS).

Department of Pathology and Laboratory Medicine, Sinai Health System
Classification: Uncertain significance. Review status: no assertion criteria provided. Collection method: clinical testing. Allele origin: unknown. Affected: yes. Study: The Canadian Open Genetics Repository (COGR). Not counted in ClinVar's aggregate classification.
Comment: The CD46 p.Val215Met variant was not identified in the literature nor was it identified in ClinVar, Cosmic or LOVD 3.0. The variant was identified in dbSNP (ID: rs535353049) and in control databases in 8 of 251466 chromosomes at a frequency of 0.000032 (Genome Aggregation Database Feb 27, 2017). The variant was observed in the following populations: South Asian in 7 of 30614 chromosomes (freq: 0.000229) and European (non-Finnish) in 1 of 113748 chromosomes (freq: 0.000009), while the variant was not observed in the African, Latino, Ashkenazi Jewish, East Asian, European (Finnish), and Other populations. The p.Val215 residue is not conserved in mammals and computational analyses (PolyPhen-2, SIFT, AlignGVGD, BLOSUM, MutationTaster) do not suggest a high likelihood of impact to the protein; however, this information is not predictive enough to rule out pathogenicity. The variant occurs outside of the splicing consensus sequence and 3 of 4 in silico or computational prediction software programs (SpliceSiteFinder, NNSPLICE, GeneSplicer) do not predict a difference in splicing. In summary, based on the above information the clinical significance of this variant cannot be determined with certainty at this time. This variant is classified as a variant of uncertain significance.

Literature cited by the submitters: PubMed 17018561 (cited by Genomenon, Inc and Labcorp Genetics (formerly Invitae), Labcorp); PubMed 22456601 (cited by Genomenon, Inc); PubMed 31014550 (cited by Genomenon, Inc); PubMed 17914026 (cited by Genomenon, Inc); PubMed 21188423 (cited by Genomenon, Inc); PubMed 26054645 (cited by Genomenon, Inc); PubMed 29327071 (cited by Genomenon, Inc); PubMed 34004375 (cited by Genomenon, Inc).